The following is an entry in ClinVar:

ClinVar aggregate classification (germline): Uncertain significance (1 of 4 stars; one submission).

Conditions:
Neurodevelopmental disorder with cerebellar atrophy and with or without seizures. Identifiers: MedGen C4748032, MONDO:0020841, OMIM 618056.

gnomAD v4.1: 1 of 1,610,020 alleles (0.000062%); no homozygotes.

Submission:

Broad Center for Mendelian Genomics, Broad Institute of MIT and Harvard
Classification: Uncertain significance for Neurodevelopmental disorder with cerebellar atrophy and with or without seizures. Last evaluated: 2020-05-28. Review status: criteria provided, single submitter. Criteria: ACMG Guidelines, 2015. Collection method: research. Allele origin: germline. Inheritance: Autosomal recessive inheritance.
Comment: This variant was absent from large population studies. Computational prediction tools and conservation analyses do not provide strong support for or against an impact to the protein. The presence of this variant in an affected homozygote increases the likelihood that the p.Arg799Cys variant is pathogenic (PMID: 30420557). Another variant, resulting in a different amino acid change at the same position, p.Arg799Leu, has been reported as a VUS in association with disease in the literature (PMID: 31102495). In summary, while there is some suspicion for a pathogenic role, the clinical significance of this variant is uncertain. ACMG/AMP Criteria applied: PM2, PM3_Supporting, PS3_supporting (Richards 2015).

Literature cited by the submitters: PubMed 30420557.

NM_001330701.2(AGTPBP1):c.2395C>T (p.Arg799Cys)

Gene: AGTPBP1 (ATP/GTP binding carboxypeptidase 1; minus strand). Cytogenetic location: 9q21.33.
Variant type: single nucleotide variant.
Coding change: c.2395C>T on transcript NM_001330701.2 (MANE Select); coding-DNA position 2395, C replaced by T.
Protein change: p.Arg799Cys; replaces arginine 799 with cysteine.
Molecular consequence: missense variant.
Genome position (GRCh38, 1-based): chr9:85,596,390, G>A on the plus strand (C>T on the coding strand, the complement: AGTPBP1 is on the minus strand). VCF-style: chr9-85596390-G-A. GRCh37 (hg19) VCF-style: chr9-88211305-G-A.
Other names: c.2551C>T, p.Arg851Cys (NM_001286715.1); c.2431C>T, p.Arg811Cys (NM_001286717.1); c.2275C>T, p.Arg759Cys (NM_015239.3); short protein forms R759C, R799C, R811C, R851C.
Identifiers: ClinVar variation 977153 (VCV000977153.1), dbSNP rs1829302172, ClinGen allele CA373917515.
Genomic context (GRCh38, chr9:85,596,390, plus strand): 5'-TGACATTCTATTAATATTCTTAAAATACTTACTTATAGTAACAAATGTCAGTCCCCATAC[G>A]AATCCACCATGGTCTGGCATTTAATGCTTCCTGAACCGAATACATGAGTGGTTGCATACC-3'
Protein context (NP_001317630.1, residues 789-809): EALNARPWWI[Arg799Cys]MGTDICYYKN